The following is an entry in ClinVar:

NM_000090.4(COL3A1):c.4194T>C (p.Gly1398=)

Gene: COL3A1 (collagen type III alpha 1 chain; plus strand). Cytogenetic location: 2q32.2.
Variant type: single nucleotide variant.
Coding change: c.4194T>C on transcript NM_000090.4 (MANE Select); coding-DNA position 4194, T replaced by C.
Protein change: p.Gly1398=; no amino-acid change (glycine 1398 retained).
Molecular consequence: synonymous variant.
Genome position (GRCh38, 1-based): chr2:189,010,830, T>C. VCF-style: chr2-189010830-T-C. GRCh37 (hg19) VCF-style: chr2-189875556-T-C.
Identifiers: ClinVar variation 1343768 (VCV001343768.9), dbSNP rs1054676420, ClinGen allele CA62564539.

ClinVar aggregate classification (germline): Likely benign. Review status: criteria provided, multiple submitters, no conflicts (2 of 4 stars). 5 submissions from 5 submitters: Likely benign (5). Last evaluated 2026-07-01.

Conditions:
Ehlers-Danlos syndrome, type 4 (EDSVASC). Also called: Ehlers-Danlos syndrome vascular type; Ehlers Danlos syndrome, ecchymotic type; Ehlers Danlos syndrome, arterial type; Ehlers Danlos syndrome, Sack-Barabas type; Ehlers-Danlos Syndrome Type IV. Identifiers: Orphanet 286, MedGen C0268338, MONDO:0017314, OMIM 130050.
Familial thoracic aortic aneurysm and aortic dissection (TAAD). Also called: Thoracic aortic aneurysms and dissections. Identifiers: Orphanet 91387, MedGen C4707243, MONDO:0019625.

Allele frequency attached by ClinVar (database versions not stated): gnomAD exomes below 0.00001; TOPMed below 0.00001.
gnomAD v4.1: 6 of 1,614,108 alleles (0.00037%); highest among the groups gnomAD compares: Admixed American, 0.0017%; no homozygotes.

Submissions (5):

CeGaT Center for Human Genetics Tuebingen
Classification: Likely benign. Last evaluated: 2026-07-01. Review status: criteria provided, single submitter. Criteria: CeGaT Center For Human Genetics Tuebingen Variant Classification Criteria Version 2. Collection method: clinical testing. Allele origin: germline. Affected: yes. Observed: 1 variant allele.
Comment: COL3A1: BP4, BP7

Labcorp Genetics (formerly Invitae), Labcorp
Classification: Likely benign for Ehlers-Danlos syndrome, type 4. Last evaluated: 2024-11-30. Review status: criteria provided, single submitter. Criteria: Invitae Variant Classification Sherloc (09022015). Collection method: clinical testing. Allele origin: germline.

Ambry Genetics
Classification: Likely benign for Familial thoracic aortic aneurysm and aortic dissection. Last evaluated: 2024-08-03. Review status: criteria provided, single submitter. Criteria: Ambry Variant Classification Scheme 2023. Collection method: clinical testing. Allele origin: germline.

All of Us Research Program, National Institutes of Health
Classification: Likely benign for Ehlers-Danlos syndrome, type 4. Last evaluated: 2023-10-06. Review status: criteria provided, single submitter. Criteria: ACMG Guidelines, 2015. Collection method: clinical testing. Allele origin: germline. Inheritance: Autosomal dominant inheritance. Observed: 1 variant allele, 1 heterozygote.
Comment: This study involves interpretation of variants in research participants for the purpose of population health screening. Participant phenotype was not available at the time of variant classification. Additional details can be found in publication PMID: 35346344, PMCID: PMC8962531

Women's Health and Genetics/Laboratory Corporation of America, LabCorp
Classification: Likely benign. Last evaluated: 2022-02-26. Review status: criteria provided, single submitter. Criteria: LabCorp Variant Classification Summary - May 2015. Collection method: clinical testing. Allele origin: germline.